The following is an entry in ClinVar:

NM_000215.4(JAK3):c.81T>G (p.His27Gln)

Gene: JAK3 (Janus kinase 3; minus strand). Cytogenetic location: 19p13.11.
Variant type: single nucleotide variant.
Coding change: c.81T>G on transcript NM_000215.4 (MANE Select); coding-DNA position 81, T replaced by G.
Protein change: p.His27Gln; replaces histidine 27 with glutamine.
Molecular consequence: missense variant.
Genome position (GRCh38, 1-based): chr19:17,844,337, A>C on the plus strand (T>G on the coding strand, the complement: JAK3 is on the minus strand). VCF-style: chr19-17844337-A-C. GRCh37 (hg19) VCF-style: chr19-17955146-A-C.
Other names: short protein forms H27Q.
Identifiers: ClinVar variation 1502150 (VCV001502150.6), dbSNP rs1039181282, ClinGen allele CA404775332.
Genomic context (GRCh38, chr19:17,844,337, plus strand): 5'-GTCCCCAAAGGAGAAAGATAGGCGCTGGGGGGGCCCGGGGCCCCGAGCGGGCAGCAGCAC[A>C]TGCAGGGCACCAGCCTCCGTGGACAAGAGGCTGCATGAACGCTGAGGGATCAGGGGCGTC-3'
Protein context (NP_000206.2, residues 17-37): SLLSTEAGAL[His27Gln]VLLPARGPGP

ClinVar aggregate classification (germline): Uncertain significance. Review status: criteria provided, multiple submitters, no conflicts (2 of 4 stars). 2 submissions from 2 submitters: Uncertain significance (2). Last evaluated 2024-04-16.

Conditions:
T-B+ severe combined immunodeficiency due to JAK3 deficiency. Also called: SCID, T CELL-NEGATIVE, B CELL-POSITIVE, NK CELL-NEGATIVE; SCID, autosomal recessive, T-negative/B-positive type. Identifiers: Orphanet 35078, MedGen C1833275, MONDO:0010938, OMIM 600802.

Allele frequency attached by ClinVar (database versions not stated): gnomAD exomes 0.00001.
gnomAD v4.1: 7 of 1,611,620 alleles (0.00043%); highest among the groups gnomAD compares: East Asian, 0.013%; no homozygotes.

Submissions (2):

Blueprint Genetics
Classification: Uncertain significance. Last evaluated: 2024-04-16. Review status: criteria provided, single submitter. Criteria: ACMG Guidelines, 2015. Collection method: clinical testing. Allele origin: germline.

Labcorp Genetics (formerly Invitae), Labcorp
Classification: Uncertain significance for T-B+ severe combined immunodeficiency due to JAK3 deficiency. Last evaluated: 2021-08-31. Review status: criteria provided, single submitter. Criteria: Invitae Variant Classification Sherloc (09022015). Collection method: clinical testing. Allele origin: germline.
Comment: This sequence change replaces histidine with glutamine at codon 27 of the JAK3 protein (p.His27Gln). The histidine residue is weakly conserved and there is a small physicochemical difference between histidine and glutamine. This variant is not present in population databases (ExAC no frequency). This missense change has been observed in individual(s) with primary immunodeficiency (PMID: 29049190). Advanced modeling of protein sequence and biophysical properties (such as structural, functional, and spatial information, amino acid conservation, physicochemical variation, residue mobility, and thermodynamic stability) performed at Invitae indicates that this missense variant is not expected to disrupt JAK3 protein function. Algorithms developed to predict the effect of sequence changes on RNA splicing suggest that this variant may create or strengthen a splice site. In summary, the available evidence is currently insufficient to determine the role of this variant in disease. Therefore, it has been classified as a Variant of Uncertain Significance.

Literature cited by the submitters: PubMed 29049190 (cited by Labcorp Genetics (formerly Invitae), Labcorp).